The following is an entry in ClinVar:

NM_001365536.1(SCN9A):c.4838G>T (p.Arg1613Leu)

Genes: SCN9A (sodium voltage-gated channel alpha subunit 9; minus strand), SCN1A-AS1 (SCN1A and SCN9A antisense RNA 1; plus strand). Cytogenetic location: 2q24.3.
Variant type: single nucleotide variant.
Coding change: c.4838G>T on transcript NM_001365536.1 (MANE Select); coding-DNA position 4838, G replaced by T.
Protein change: p.Arg1613Leu; replaces arginine 1613 with leucine.
Molecular consequence: missense variant. On other transcripts: non-coding transcript variant (1).
Genome position (GRCh38, 1-based): chr2:166,199,801, C>A on the plus strand (G>T on the coding strand, the complement: SCN9A is on the minus strand). VCF-style: chr2-166199801-C-A. GRCh37 (hg19) VCF-style: chr2-167056311-C-A.
Other names: c.4805G>T, p.Arg1602Leu (NM_002977.4); short protein forms R1613L, R1602L.
Identifiers: ClinVar variation 2943846 (VCV002943846.3), dbSNP rs572623538, ClinGen allele CA349055509.

ClinVar aggregate classification (germline): Uncertain significance (1 of 4 stars; one submission).

Conditions:
Neuropathy, hereditary sensory and autonomic, type 2A (HSAN2A). Also called: ACROOSTEOLYSIS, GIACCAI TYPE; ACROOSTEOLYSIS, NEUROGENIC; MORVAN DISEASE; NEUROPATHY, CONGENITAL SENSORY; NEUROPATHY, HEREDITARY SENSORY RADICULAR, AUTOSOMAL RECESSIVE; NEUROPATHY, HEREDITARY SENSORY, TYPE IIA. Identifiers: Orphanet 970, MedGen C2752089, MONDO:0024309, OMIM 201300.
Generalized epilepsy with febrile seizures plus, type 7 (GEFSP7). Also called: GEFS+, TYPE 7. Identifiers: Orphanet 36387, MedGen C2751778, MONDO:0013470, OMIM 613863.

Submission:

Labcorp Genetics (formerly Invitae), Labcorp
Classification: Uncertain significance for Neuropathy, hereditary sensory and autonomic, type 2A; Generalized epilepsy with febrile seizures plus, type 7. Last evaluated: 2025-06-02. Review status: criteria provided, single submitter. Criteria: Invitae Variant Classification Sherloc (09022015). Collection method: clinical testing. Allele origin: germline.
Comment: This sequence change replaces arginine, which is basic and polar, with leucine, which is neutral and non-polar, at codon 1602 of the SCN9A protein (p.Arg1602Leu). This variant is not present in population databases (gnomAD no frequency). This variant has not been reported in the literature in individuals affected with SCN9A-related conditions. ClinVar contains an entry for this variant (Variation ID: 2943846). Invitae Evidence Modeling of protein sequence and biophysical properties (such as structural, functional, and spatial information, amino acid conservation, physicochemical variation, residue mobility, and thermodynamic stability) indicates that this missense variant is not expected to disrupt SCN9A protein function with a negative predictive value of 95%. In summary, the available evidence is currently insufficient to determine the role of this variant in disease. Therefore, it has been classified as a Variant of Uncertain Significance.